The following is an entry in ClinVar:

ClinVar aggregate classification (germline): Pathogenic (1 of 4 stars; one submission).

Conditions:
Hereditary pulmonary alveolar proteinosis. Also called: Pulmonary surfactant metabolism dysfunction. Identifiers: Orphanet 264675, MedGen C3711368, MONDO:0012580.

Allele frequency attached by ClinVar (database versions not stated): gnomAD exomes below 0.00001; TOPMed 0.00001.

Submission:

Ambry Genetics
Classification: Pathogenic for Hereditary pulmonary alveolar proteinosis. Last evaluated: 2018-01-22. Review status: criteria provided, single submitter. Criteria: Ambry Variant Classification Scheme 2023. Collection method: clinical testing. Allele origin: germline.
Comment: The p.R307* pathogenic mutation (also known as c.919C>T), located in coding exon 8 of the SFTPB gene, results from a C to T substitution at nucleotide position 919. This changes the amino acid from an arginine to a stop codon within coding exon 8. This alteration is expected to result in loss of function by premature protein truncation or nonsense-mediated mRNA decay. As such, this alteration is interpreted as a disease-causing mutation.

NM_000542.5(SFTPB):c.883C>T (p.Arg295Ter)

Gene: SFTPB (surfactant protein B; minus strand). Cytogenetic location: 2p11.2.
Variant type: single nucleotide variant.
Coding change: c.883C>T on transcript NM_000542.5 (MANE Select); coding-DNA position 883, C replaced by T.
Protein change: p.Arg295Ter; replaces arginine 295 with a stop codon.
Molecular consequence: nonsense.
Genome position (GRCh38, 1-based): chr2:85,663,465, G>A on the plus strand (C>T on the coding strand, the complement: SFTPB is on the minus strand). VCF-style: chr2-85663465-G-A. GRCh37 (hg19) VCF-style: chr2-85890588-G-A.
Other names: c.883C>T, p.Arg295Ter (NM_001367281.2, NM_198843.4); short protein forms R295*.
Identifiers: ClinVar variation 1766142 (VCV001766142.2), dbSNP rs1677410327, ClinGen allele CA347487472.